The following is an entry in ClinVar:

ClinVar aggregate classification (germline): Conflicting classifications of pathogenicity. Review status: criteria provided, conflicting classifications (1 of 4 stars). 3 submissions from 3 submitters: Uncertain significance (1); Likely benign (1). 1 of the submissions does not count toward it. Last evaluated 2024-09-08.

Conditions:
Inborn genetic diseases. Identifiers: MedGen C0950123, MeSH D030342.
CACNA1G-related disorder. Also called: CACNA1G-related condition; CACNA1G-related disorders.

Allele frequency attached by ClinVar (database versions not stated): TOPMed below 0.00001; gnomAD 0.00001; gnomAD exomes 0.00001.
gnomAD v4.1: 7 of 1,610,850 alleles (0.00043%); highest among the groups gnomAD compares: East Asian, 0.0022%; no homozygotes.

Submissions (3):

Ambry Genetics
Classification: Uncertain significance for Inborn genetic diseases. Last evaluated: 2024-09-08. Review status: criteria provided, single submitter. Criteria: Ambry Variant Classification Scheme 2023. Collection method: clinical testing. Allele origin: germline.

Labcorp Genetics (formerly Invitae), Labcorp
Classification: Likely benign. Last evaluated: 2023-07-06. Review status: criteria provided, single submitter. Criteria: Invitae Variant Classification Sherloc (09022015). Collection method: clinical testing. Allele origin: germline.

PreventionGenetics, part of Exact Sciences
Classification: Uncertain significance for CACNA1G-related condition. Last evaluated: 2023-12-13. Review status: no assertion criteria provided. Collection method: clinical testing. Allele origin: germline. Not counted in ClinVar's aggregate classification.
Comment: The CACNA1G c.4682G>A variant is predicted to result in the amino acid substitution p.Arg1561Gln. To our knowledge, this variant has not been reported in the literature. This variant is reported in 0.0057% of alleles in individuals of East Asian descent in gnomAD. At this time, the clinical significance of this variant is uncertain due to the absence of conclusive functional and genetic evidence.

NM_018896.5(CACNA1G):c.4682G>A (p.Arg1561Gln)

Gene: CACNA1G (calcium voltage-gated channel subunit alpha1 G; plus strand). Cytogenetic location: 17q21.33.
Variant type: single nucleotide variant.
Coding change: c.4682G>A on transcript NM_018896.5 (MANE Select); coding-DNA position 4682, G replaced by A.
Protein change: p.Arg1561Gln; replaces arginine 1561 with glutamine.
Molecular consequence: missense variant. On other transcripts: non-coding transcript variant (5).
Genome position (GRCh38, 1-based): chr17:50,607,996, G>A. VCF-style: chr17-50607996-G-A. GRCh37 (hg19) VCF-style: chr17-48685357-G-A.
Other names: c.4682G>A (NM_018896.3, NM_018896.4); c.4682G>A, p.Arg1561Gln (NM_001256324.2, NM_001256325.2, NM_198377.3 and 9 more transcripts); c.4580G>A, p.Arg1527Gln (NM_001256326.2, NM_001256329.2, NM_001256330.2 and 1 more transcripts); c.4601G>A, p.Arg1534Gln (NM_001256361.2, NM_001256359.2); c.4613G>A, p.Arg1538Gln (NM_198376.3, NM_198379.3, NM_198382.3 and 4 more transcripts); c.4511G>A, p.Arg1504Gln (NM_001256332.2); c.4607G>A, p.Arg1536Gln (NM_001256360.2); short protein forms R1527Q, R1534Q, R1538Q, R1504Q, R1561Q, R1536Q.
Identifiers: ClinVar variation 2878501 (VCV002878501.6), dbSNP rs1363009203, ClinGen allele CA400259226.